The following is an entry in ClinVar:

ClinVar aggregate classification (germline): Likely benign. Review status: criteria provided, multiple submitters, no conflicts (2 of 4 stars). 2 submissions from 2 submitters: Likely benign (2). Last evaluated 2025-12-14.

Conditions:
Mucopolysaccharidosis, MPS-IV-B (MPS4B). Also called: Mucopolysaccharidosis Type IVB; Mucopolysaccharidosis type IVB (Morquio); MPS IVB; MORQUIO SYNDROME B; Mucopolysaccharidosis type IV B; Mucopolysaccharidosis type 4B. Identifiers: Orphanet 309310, Orphanet 582, MedGen C0086652, MONDO:0009660, OMIM 253010.
GM1 gangliosidosis. Identifiers: Orphanet 354, MedGen C0085131, MONDO:0018149.

Allele frequency attached by ClinVar (database versions not stated): gnomAD 0.00001; TOPMed 0.00002; gnomAD exomes 0.00004 and 0.00009; ExAC 0.00007.
gnomAD v4.1: 142 of 1,614,068 alleles (0.0088%); highest among the groups gnomAD compares: Non-Finnish European, 0.011%; no homozygotes.

Submissions (2):

Labcorp Genetics (formerly Invitae), Labcorp
Classification: Likely benign for Mucopolysaccharidosis, MPS-IV-B; GM1 gangliosidosis. Last evaluated: 2025-12-14. Review status: criteria provided, single submitter. Criteria: Invitae Variant Classification Sherloc (09022015). Collection method: clinical testing. Allele origin: germline.

CeGaT Center for Human Genetics Tuebingen
Classification: Likely benign. Last evaluated: 2022-04-01. Review status: criteria provided, single submitter. Criteria: CeGaT Center For Human Genetics Tuebingen Variant Classification Criteria Version 2. Collection method: clinical testing. Allele origin: germline. Affected: yes. Observed: 1 variant allele.
Comment: GLB1: BP4

NM_000404.4(GLB1):c.1536T>C (p.Phe512=)

Gene: GLB1 (galactosidase beta 1; minus strand). Cytogenetic location: 3p22.3.
Variant type: single nucleotide variant.
Coding change: c.1536T>C on transcript NM_000404.4 (MANE Select); coding-DNA position 1536, T replaced by C.
Protein change: p.Phe512=; no amino-acid change (phenylalanine 512 retained).
Molecular consequence: synonymous variant.
Genome position (GRCh38, 1-based): chr3:33,014,254, A>G on the plus strand (T>C on the coding strand, the complement: GLB1 is on the minus strand). VCF-style: chr3-33014254-A-G. GRCh37 (hg19) VCF-style: chr3-33055746-A-G.
Other names: c.1446T>C, p.Phe482= (NM_001079811.3); c.1143T>C, p.Phe381= (NM_001135602.3); c.1680T>C, p.Phe560= (NM_001317040.2).
Identifiers: ClinVar variation 1095288 (VCV001095288.38), dbSNP rs763651916, ClinGen allele CA2299363.